The following is an entry in ClinVar:

ClinVar aggregate classification (germline): Uncertain significance. Review status: criteria provided, multiple submitters, no conflicts (2 of 4 stars). 2 submissions from 2 submitters: Uncertain significance (2). Last evaluated 2025-12-24.

Conditions:
Cardiovascular phenotype. Identifiers: MedGen CN230736.
Long QT syndrome (LQTS). Identifiers: MedGen C0023976, MeSH D008133, MONDO:0002442. Disease mechanism: loss of function. Inheritance: Various modes of inheritance.

Allele frequency attached by ClinVar (database versions not stated): gnomAD exomes 0.00002; ESP Exome Variant Server 0.00008.
gnomAD v4.1: 31 of 1,613,942 alleles (0.0019%); highest among the groups gnomAD compares: Non-Finnish European, 0.0021%; no homozygotes.

Submissions (2):

Labcorp Genetics (formerly Invitae), Labcorp
Classification: Uncertain significance for Long QT syndrome. Last evaluated: 2025-12-24. Review status: criteria provided, single submitter. Criteria: Invitae Variant Classification Sherloc (09022015). Collection method: clinical testing. Allele origin: germline.
Comment: This sequence change replaces glutamic acid, which is acidic and polar, with glycine, which is neutral and non-polar, at codon 3141 of the ANK2 protein (p.Glu3141Gly). This variant is present in population databases (rs138474562, gnomAD 0.007%). This variant has not been reported in the literature in individuals affected with ANK2-related conditions. ClinVar contains an entry for this variant (Variation ID: 1766913). An algorithm developed to predict the effect of missense changes on protein structure and function (PolyPhen-2) suggests that this variant is likely to be disruptive. In summary, the available evidence is currently insufficient to determine the role of this variant in disease. Therefore, it has been classified as a Variant of Uncertain Significance.

Ambry Genetics
Classification: Uncertain significance for Cardiovascular phenotype. Last evaluated: 2020-07-29. Review status: criteria provided, single submitter. Criteria: Ambry Variant Classification Scheme 2023. Collection method: clinical testing. Allele origin: germline.
Comment: The p.E3141G variant (also known as c.9422A>G), located in coding exon 38 of the ANK2 gene, results from an A to G substitution at nucleotide position 9422. This exon is expressed solely in brain (Mohler PJ et al. Circulation. 2007;115(4):432-41). The glutamic acid at codon 3141 is replaced by glycine, an amino acid with similar properties. This amino acid position is well conserved in available vertebrate species. In addition, this alteration is predicted to be deleterious by in silico analysis. Since supporting evidence is limited at this time, the clinical significance of this alteration remains unclear.

NM_001148.6(ANK2):c.9422A>G (p.Glu3141Gly)

Gene: ANK2 (ankyrin 2; plus strand). Cytogenetic location: 4q26.
Variant type: single nucleotide variant.
Coding change: c.9422A>G on transcript NM_001148.6 (MANE Select); coding-DNA position 9422, A replaced by G.
Protein change: p.Glu3141Gly; replaces glutamic acid 3141 with glycine.
Molecular consequence: missense variant. On other transcripts: intron variant (68).
Genome position (GRCh38, 1-based): chr4:113,358,040, A>G. VCF-style: chr4-113358040-A-G. GRCh37 (hg19) VCF-style: chr4-114279196-A-G.
Other names: c.9188A>G, p.Glu3063Gly (NM_001386142.1); c.5822A>G, p.Glu1941Gly (NM_001386166.1); c.9563A>G, p.Glu3188Gly (NM_001386174.1); c.9539A>G, p.Glu3180Gly (NM_001386175.1); c.4412-2783A>G (NM_001386186.2, NM_001386148.2); c.4214-2783A>G (NM_001354269.3); c.4292-2783A>G (NM_001386187.2); c.4253-2783A>G (NM_001386147.1); and 35 more; short protein forms E3141G, E3180G, E1941G, E3063G, E3188G.
Identifiers: ClinVar variation 1766913 (VCV001766913.3), dbSNP rs138474562, ClinGen allele CA103817379.